The following is an entry in ClinVar:

ClinVar aggregate classification (germline): Pathogenic (1 of 4 stars; one submission).

Allele frequency attached by ClinVar (database versions not stated): TOPMed below 0.00001.

Submission:

Labcorp Genetics (formerly Invitae), Labcorp
Classification: Pathogenic. Last evaluated: 2023-11-09. Review status: criteria provided, single submitter. Criteria: Invitae Variant Classification Sherloc (09022015). Collection method: clinical testing. Allele origin: germline.
Comment: This sequence change creates a premature translational stop signal (p.Gln203*) in the ATP6V1B1 gene. It is expected to result in an absent or disrupted protein product. Loss-of-function variants in ATP6V1B1 are known to be pathogenic (PMID: 9916796, 18368028). This variant is not present in population databases (gnomAD no frequency). This variant has not been reported in the literature in individuals affected with ATP6V1B1-related conditions. ClinVar contains an entry for this variant (Variation ID: 845388). For these reasons, this variant has been classified as Pathogenic.

Literature cited by the submitters: PubMed 9916796; PubMed 18368028.

NM_001692.4(ATP6V1B1):c.607C>T (p.Gln203Ter)

Gene: ATP6V1B1 (ATPase H+ transporting V1 subunit B1; plus strand). Cytogenetic location: 2p13.3.
Variant type: single nucleotide variant.
Coding change: c.607C>T on transcript NM_001692.4 (MANE Select); coding-DNA position 607, C replaced by T.
Protein change: p.Gln203Ter; replaces glutamine 203 with a stop codon.
Molecular consequence: nonsense.
Genome position (GRCh38, 1-based): chr2:70,960,942, C>T. VCF-style: chr2-70960942-C-T. GRCh37 (hg19) VCF-style: chr2-71188072-C-T.
Other names: short protein forms Q203*.
Identifiers: ClinVar variation 845388 (VCV000845388.7), dbSNP rs1680569476, ClinGen allele CA347182722.